The following is an entry in ClinVar:

NM_005585.5(SMAD6):c.1025G>C (p.Arg342Pro)

Gene: SMAD6 (SMAD family member 6; plus strand). Cytogenetic location: 15q22.31.
Variant type: single nucleotide variant.
Coding change: c.1025G>C on transcript NM_005585.5 (MANE Select); coding-DNA position 1025, G replaced by C.
Protein change: p.Arg342Pro; replaces arginine 342 with proline.
Molecular consequence: missense variant. On other transcripts: non-coding transcript variant (1).
Genome position (GRCh38, 1-based): chr15:66,781,069, G>C. VCF-style: chr15-66781069-G-C. GRCh37 (hg19) VCF-style: chr15-67073407-G-C.
Other names: short protein forms R342P.
Identifiers: ClinVar variation 3631453 (VCV003631453.2).

ClinVar aggregate classification (germline): Uncertain significance (1 of 4 stars; one submission).

Conditions:
Aortic valve disease 2 (AOVD2). Identifiers: MedGen C3542024, MONDO:0013902, OMIM 614823.

gnomAD v4.1: 1 of 1,604,844 alleles (0.000062%); highest among the groups gnomAD compares: East Asian, 0.0022%; no homozygotes.

Submission:

Labcorp Genetics (formerly Invitae), Labcorp
Classification: Uncertain significance for Aortic valve disease 2. Last evaluated: 2024-08-01. Review status: criteria provided, single submitter. Criteria: Invitae Variant Classification Sherloc (09022015). Collection method: clinical testing. Allele origin: germline.
Comment: This sequence change replaces arginine, which is basic and polar, with proline, which is neutral and non-polar, at codon 342 of the SMAD6 protein (p.Arg342Pro). This variant is not present in population databases (gnomAD no frequency). This variant has not been reported in the literature in individuals affected with SMAD6-related conditions. Advanced modeling of protein sequence and biophysical properties (such as structural, functional, and spatial information, amino acid conservation, physicochemical variation, residue mobility, and thermodynamic stability) has been performed at Invitae for this missense variant, however the output from this modeling did not meet the statistical confidence thresholds required to predict the impact of this variant on SMAD6 protein function. In summary, the available evidence is currently insufficient to determine the role of this variant in disease. Therefore, it has been classified as a Variant of Uncertain Significance.